The following is an entry in ClinVar:

ClinVar aggregate classification (germline): Likely benign. Review status: criteria provided, multiple submitters, no conflicts (2 of 4 stars). 2 submissions from 2 submitters: Likely benign (2). Last evaluated 2026-03-11.

Conditions:
Hereditary breast ovarian cancer syndrome. Also called: Hereditary breast and/or ovarian cancer syndrome; Hereditary breast and ovarian cancer syndrome; Hereditary breast and ovarian cancer; Hereditary breast and ovarian cancer syndrome (HBOC); Breast and ovarian cancer; BRCA1- and BRCA2-Associated Hereditary Breast and Ovarian Cancer. Identifiers: Orphanet 145, MedGen C0677776, MeSH D061325, MONDO:0003582. Disease mechanism: loss of function.

Allele frequency attached by ClinVar (database versions not stated): gnomAD exomes below 0.00001.

Submissions (2):

Women's Health and Genetics/Laboratory Corporation of America, LabCorp
Classification: Likely benign. Last evaluated: 2026-03-11. Review status: criteria provided, single submitter. Criteria: LabCorp Variant Classification Summary - May 2015. Collection method: clinical testing. Allele origin: germline.
Comment: Variant summary: BRCA2 c.1909+11_1909+12insA alters a nucleotide located at a position not widely known to affect splicing. Consensus agreement among computation tools predict no significant impact on normal splicing. However, these predictions have yet to be confirmed by functional studies. The frequency data for this variant in gnomAD is considered unreliable, as metrics indicate poor data quality at this position. To our knowledge, no occurrence of c.1909+11_1909+12insA in individuals affected with BRCA2-related conditions and no experimental evidence demonstrating its impact on protein function have been reported. ClinVar contains an entry for this variant (Variation ID: 929009). Based on the evidence outlined above, the variant was classified as likely benign.

Labcorp Genetics (formerly Invitae), Labcorp
Classification: Likely benign for Hereditary breast ovarian cancer syndrome. Last evaluated: 2023-03-11. Review status: criteria provided, single submitter. Criteria: Invitae Variant Classification Sherloc (09022015). Collection method: clinical testing. Allele origin: germline.

NM_000059.4(BRCA2):c.1909+11_1909+12insA

Gene: BRCA2 (BRCA2 DNA repair associated; plus strand). Cytogenetic location: 13q13.1.
Variant type: Insertion.
Coding change: c.1909+11_1909+12insA on transcript NM_000059.4 (MANE Select); bases 11 to 12 of the intron after coding-DNA position 1909, A inserted.
Molecular consequence: intron variant.
Genome position: GRCh38 VCF-style: chr13-32333398-C-CA. GRCh37 (hg19) VCF-style: chr13-32907535-C-CA.
Identifiers: ClinVar variation 929009 (VCV000929009.12), dbSNP rs2072425470, ClinGen allele CA1139663127.
Genomic context (GRCh38, chr13:32,333,398, plus strand): 5'-TGAAGCAAATGCTTTTGAAGCACCACTTACATTTGCAAATGCTGATTCAGGTACCTCTGT[C>CA]TTTTTTTTTTTGTAAATAGTACATATAGTTTTATAGATGACGATTCCTTCTGTGTTTTTT-3'